The following is an entry in ClinVar:

ClinVar aggregate classification (germline): Likely pathogenic (1 of 4 stars; one submission).

Conditions:
Primary ciliary dyskinesia. Also called: Ciliary dyskinesia. Identifiers: Orphanet 244, MedGen C0008780, MONDO:0016575, HP:0012265.

Submission:

Labcorp Genetics (formerly Invitae), Labcorp
Classification: Likely pathogenic for Primary ciliary dyskinesia. Last evaluated: 2025-06-24. Review status: criteria provided, single submitter. Criteria: Invitae Variant Classification Sherloc (09022015). Collection method: clinical testing. Allele origin: germline.
Comment: This sequence change affects a donor splice site in intron 58 of the DNAH11 gene. It is expected to disrupt RNA splicing. Variants that disrupt the donor or acceptor splice site typically lead to a loss of protein function (PMID: 16199547), and loss-of-function variants in DNAH11 are known to be pathogenic (PMID: 18022865, 20513915, 22184204). This variant is not present in population databases (gnomAD no frequency). This variant has not been reported in the literature in individuals affected with DNAH11-related conditions. ClinVar contains an entry for this variant (Variation ID: 3619470). Algorithms developed to predict the effect of sequence changes on RNA splicing suggest that this variant may disrupt the consensus splice site. In summary, the currently available evidence indicates that the variant is pathogenic, but additional data are needed to prove that conclusively. Therefore, this variant has been classified as Likely Pathogenic.

Literature cited by the submitters: PubMed 16199547; PubMed 18022865; PubMed 20513915; PubMed 22184204.

NM_001277115.2(DNAH11):c.9597+1G>A

Gene: DNAH11 (dynein axonemal heavy chain 11; plus strand). Cytogenetic location: 7p15.3.
Variant type: single nucleotide variant.
Coding change: c.9597+1G>A on transcript NM_001277115.2 (MANE Select); the canonical splice donor site of the intron after coding-DNA position 9597, G replaced by A.
Molecular consequence: splice donor variant.
Genome position (GRCh38, 1-based): chr7:21,784,541, G>A. VCF-style: chr7-21784541-G-A. GRCh37 (hg19) VCF-style: chr7-21824159-G-A.
Identifiers: ClinVar variation 3619470 (VCV003619470.2).